The following is an entry in ClinVar:

NM_001130009.3(GEN1):c.1772A>G (p.Glu591Gly)

Gene: GEN1 (GEN1 Holliday junction 5' flap endonuclease; plus strand). Cytogenetic location: 2p24.2.
Variant type: single nucleotide variant.
Coding change: c.1772A>G on transcript NM_001130009.3 (MANE Select); coding-DNA position 1772, A replaced by G.
Protein change: p.Glu591Gly; replaces glutamic acid 591 with glycine.
Molecular consequence: missense variant.
Genome position (GRCh38, 1-based): chr2:17,780,984, A>G. VCF-style: chr2-17780984-A-G. GRCh37 (hg19) VCF-style: chr2-17962251-A-G.
Other names: c.1772A>G, p.Glu591Gly (NM_182625.5); short protein forms E591G.
Identifiers: ClinVar variation 4262993 (VCV004262993.1).

ClinVar aggregate classification (germline): Uncertain significance (1 of 4 stars; one submission).

gnomAD v4.1: 1 of 1,613,376 alleles (0.000062%); highest among the groups gnomAD compares: Non-Finnish European, 0.000085%; no homozygotes.

Submission:

Ambry Genetics
Classification: Uncertain significance. Last evaluated: 2025-06-26. Review status: criteria provided, single submitter. Criteria: Ambry Variant Classification Scheme 2023. Collection method: clinical testing. Allele origin: germline.
Comment: The p.E591G variant (also known as c.1772A>G), located in coding exon 13 of the GEN1 gene, results from an A to G substitution at nucleotide position 1772. The glutamic acid at codon 591 is replaced by glycine, an amino acid with similar properties. This amino acid position is conserved. In addition, this alteration is predicted to be tolerated by in silico analysis. Based on the available evidence, the clinical significance of this variant remains unclear.